The following is an entry in ClinVar:

NM_003242.6(TGFBR2):c.71T>C (p.Ile24Thr)

Gene: TGFBR2 (transforming growth factor beta receptor 2; plus strand). Cytogenetic location: 3p24.1.
Variant type: single nucleotide variant.
Coding change: c.71T>C on transcript NM_003242.6 (MANE Select); coding-DNA position 71, T replaced by C.
Protein change: p.Ile24Thr; replaces isoleucine 24 with threonine.
Molecular consequence: missense variant. On other transcripts: 5 prime UTR variant (4), intron variant (2).
Genome position (GRCh38, 1-based): chr3:30,606,954, T>C. VCF-style: chr3-30606954-T-C. GRCh37 (hg19) VCF-style: chr3-30648446-T-C.
Other names: c.71T>C, p.Ile24Thr (NM_001407127.1, NM_001407130.1, NM_001407137.1 and 4 more transcripts); c.-213T>C (NM_001407133.1); c.-91T>C (NM_001407134.1); c.-138T>C (NM_001407135.1); c.-223T>C (NM_001407136.1); c.-12+361T>C (NM_001407129.1, NM_001407132.1); short protein forms I24T.
Identifiers: ClinVar variation 3386054 (VCV003386054.3).
Genomic context (GRCh38, chr3:30,606,954, plus strand): 5'-GGCTGCTCAGGGGCCTGTGGCCGCTGCACATCGTCCTGTGGACGCGTATCGCCAGCACGA[T>C]CCCACCGCACGTTCAGAAGTCGGGTGAGTGGTCCCCAGCCCGGGCTCGGCGGGGCGCCGG-3'
Protein context (NP_003233.4, residues 14-34): IVLWTRIAST[Ile24Thr]PPHVQKSVNN

ClinVar aggregate classification (germline): Uncertain significance. Review status: criteria provided, multiple submitters, no conflicts (2 of 4 stars). 2 submissions from 2 submitters: Uncertain significance (2). Last evaluated 2025-04-07.

Conditions:
Loeys-Dietz syndrome 2 (LDS2). Also called: TGFBR2-Related Loeys-Dietz Syndrome; AORTIC ANEURYSM, FAMILIAL THORACIC 3; MARFAN SYNDROME, TYPE II; Marfan syndrome, type 2 (formerly); Marfan Syndrome type 2; Marfan like connective tissue disorder. Identifiers: Orphanet 284973, Orphanet 558, MedGen C2674574, MONDO:0012427, OMIM 610168.
Familial thoracic aortic aneurysm and aortic dissection (TAAD). Also called: Thoracic aortic aneurysms and dissections. Identifiers: Orphanet 91387, MedGen C4707243, MONDO:0019625.

gnomAD v4.1: 1 of 1,601,890 alleles (0.000062%); highest among the groups gnomAD compares: East Asian, 0.0023%; no homozygotes.

Submissions (2):

Labcorp Genetics (formerly Invitae), Labcorp
Classification: Uncertain significance for Familial thoracic aortic aneurysm and aortic dissection. Last evaluated: 2025-04-07. Review status: criteria provided, single submitter. Criteria: Invitae Variant Classification Sherloc (09022015). Collection method: clinical testing. Allele origin: germline.
Comment: This sequence change replaces isoleucine, which is neutral and non-polar, with threonine, which is neutral and polar, at codon 24 of the TGFBR2 protein (p.Ile24Thr). The frequency data for this variant in the population databases is considered unreliable, as metrics indicate poor data quality at this position in the gnomAD database. This variant has not been reported in the literature in individuals affected with TGFBR2-related conditions. ClinVar contains an entry for this variant (Variation ID: 3386054). Invitae Evidence Modeling of protein sequence and biophysical properties (such as structural, functional, and spatial information, amino acid conservation, physicochemical variation, residue mobility, and thermodynamic stability) indicates that this missense variant is not expected to disrupt TGFBR2 protein function with a negative predictive value of 95%. In summary, the available evidence is currently insufficient to determine the role of this variant in disease. Therefore, it has been classified as a Variant of Uncertain Significance.

All of Us Research Program, National Institutes of Health
Classification: Uncertain significance for Loeys-Dietz syndrome 2. Last evaluated: 2024-09-23. Review status: criteria provided, single submitter. Criteria: ACMG Guidelines, 2015. Collection method: clinical testing. Allele origin: germline. Inheritance: Autosomal dominant inheritance. Observed: 1 variant allele, 1 heterozygote.
Comment: This study involves interpretation of variants in research participants for the purpose of population health screening. Participant phenotype was not available at the time of variant classification. Additional details can be found in publication PMID: 35346344, PMCID: PMC8962531